The following is an entry in ClinVar:

NM_004568.6(SERPINB6):c.147C>T (p.Thr49=)

Gene: SERPINB6 (serpin family B member 6; minus strand). Cytogenetic location: 6p25.2.
Variant type: single nucleotide variant.
Coding change: c.147C>T on transcript NM_004568.6 (MANE Select); coding-DNA position 147, C replaced by T.
Protein change: p.Thr49=; no amino-acid change (threonine 49 retained).
Molecular consequence: synonymous variant. On other transcripts: non-coding transcript variant (1), intron variant (1).
Genome position (GRCh38, 1-based): chr6:2,959,186, G>A on the plus strand (C>T on the coding strand, the complement: SERPINB6 is on the minus strand). VCF-style: chr6-2959186-G-A. GRCh37 (hg19) VCF-style: chr6-2959420-G-A.
Other names: c.159C>T, p.Thr53= (NM_001195291.3, NM_001374515.1); c.189C>T, p.Thr63= (NM_001271822.2); c.204C>T, p.Thr68= (NM_001271823.2); c.147C>T, p.Thr49= (NM_001271824.2, NM_001271825.2, NM_001297699.2 and 2 more transcripts); c.34-3516C>T (NM_001374517.1).
Identifiers: ClinVar variation 517164 (VCV000517164.7), dbSNP rs763576990, ClinGen allele CA3617650.

ClinVar aggregate classification (germline): Likely benign. Review status: criteria provided, multiple submitters, no conflicts (2 of 4 stars). 3 submissions from 3 submitters: Likely benign (3). Last evaluated 2025-06-08.

Conditions:
SERPINB6-related disorder. Also called: SERPINB6-related condition.

Allele frequency attached by ClinVar (database versions not stated): gnomAD 0.00001 and 0.00002; TOPMed 0.00003; gnomAD exomes 0.00004 and 0.00007; ExAC 0.00007.
gnomAD v4.1: 57 of 1,614,014 alleles (0.0035%); highest among the groups gnomAD compares: Admixed American, 0.028%; no homozygotes.

Submissions (3):

Labcorp Genetics (formerly Invitae), Labcorp
Classification: Likely benign. Last evaluated: 2025-06-08. Review status: criteria provided, single submitter. Criteria: Invitae Variant Classification Sherloc (09022015). Collection method: clinical testing. Allele origin: germline.

PreventionGenetics, part of Exact Sciences
Classification: Likely benign for SERPINB6-related condition. Last evaluated: 2025-01-07. Review status: criteria provided, single submitter. Criteria: ACMG Guidelines, 2015. Collection method: clinical testing. Allele origin: germline.
Comment: This variant is classified as likely benign based on ACMG/AMP sequence variant interpretation guidelines (Richards et al. 2015 PMID: 25741868, with internal and published modifications).

Laboratory for Molecular Medicine, Mass General Brigham Personalized Medicine
Classification: Likely benign. Last evaluated: 2016-11-15. Review status: criteria provided, single submitter. Criteria: LMM Criteria. Collection method: clinical testing. Allele origin: germline. Observed: 1 variant allele.
Comment: p.Thr49Thr in exon 2C of SERPINB6: This variant is not expected to have clinical significance because it does not alter an amino acid residue and is not located within the splice consensus sequence. It has been identified in 5/16512 South A sian chromosomes by the Exome Aggregation Consortium (ExAC; dbSNP rs763576990).